The following is an entry in ClinVar:

ClinVar aggregate classification (germline): Likely benign. Review status: criteria provided, multiple submitters, no conflicts (2 of 4 stars). 2 submissions from 2 submitters: Likely benign (2). Last evaluated 2025-02-07.

Conditions:
FAT4-related disorder. Also called: FAT4-related condition.

Allele frequency attached by ClinVar (database versions not stated): gnomAD exomes 0.00001; TOPMed 0.00001; gnomAD 0.00002; ExAC 0.00003; 1000 Genomes Project 0.00040; 1000 Genomes Project 30x 0.00047.
gnomAD v4.1: 14 of 1,613,972 alleles (0.00087%); highest among the groups gnomAD compares: East Asian, 0.025%; no homozygotes.

Submissions (2):

PreventionGenetics, part of Exact Sciences
Classification: Likely benign for FAT4-related condition. Last evaluated: 2025-02-07. Review status: criteria provided, single submitter. Criteria: ACMG Guidelines, 2015. Collection method: clinical testing. Allele origin: germline.
Comment: This variant is classified as likely benign based on ACMG/AMP sequence variant interpretation guidelines (Richards et al. 2015 PMID: 25741868, with internal and published modifications).

Labcorp Genetics (formerly Invitae), Labcorp
Classification: Likely benign. Last evaluated: 2024-11-18. Review status: criteria provided, single submitter. Criteria: Invitae Variant Classification Sherloc (09022015). Collection method: clinical testing. Allele origin: germline.

NM_001291303.3(FAT4):c.486G>A (p.Ser162=)

Gene: FAT4 (FAT atypical cadherin 4; plus strand). Cytogenetic location: 4q28.1.
Variant type: single nucleotide variant.
Coding change: c.486G>A on transcript NM_001291303.3 (MANE Select); coding-DNA position 486, G replaced by A.
Protein change: p.Ser162=; no amino-acid change (serine 162 retained).
Molecular consequence: synonymous variant.
Genome position (GRCh38, 1-based): chr4:125,316,897, G>A. VCF-style: chr4-125316897-G-A. GRCh37 (hg19) VCF-style: chr4-126238052-G-A.
Other names: c.486G>A (NM_024582.4); c.486G>A, p.Ser162= (NM_001291285.3, NM_024582.6).
Identifiers: ClinVar variation 2417646 (VCV002417646.8), dbSNP rs536273288, ClinGen allele CA3071816.